The following is an entry in ClinVar:

NM_001903.5(CTNNA1):c.2434-16C>T

Gene: CTNNA1 (catenin alpha 1; plus strand). Cytogenetic location: 5q31.2.
Variant type: single nucleotide variant.
Coding change: c.2434-16C>T on transcript NM_001903.5 (MANE Select); 16 bases into the intron before coding-DNA position 2434, C replaced by T.
Molecular consequence: intron variant.
Genome position (GRCh38, 1-based): chr5:138,933,786, C>T. VCF-style: chr5-138933786-C-T. GRCh37 (hg19) VCF-style: chr5-138269475-C-T.
Other names: c.2434-16C>T (NM_001323982.2, NM_001323984.2, NM_001323983.1); c.2505-16C>T (NM_001290307.3); c.2434-43C>T (NM_001323985.2); c.2341-16C>T (NM_001323986.2); c.2065-16C>T (NM_001290310.3); c.2125-16C>T (NM_001290309.3); c.1324-16C>T (NM_001323996.1, NM_001323993.1, NM_001323998.1 and 12 more transcripts); c.1395-16C>T (NM_001324005.1, NM_001324003.1, NM_001324002.1 and 1 more transcripts); and 4 more.
Identifiers: ClinVar variation 1456643 (VCV001456643.9), dbSNP rs1561783873, ClinGen allele CA563498223.

ClinVar aggregate classification (germline): Likely benign. Review status: criteria provided, multiple submitters, no conflicts (2 of 4 stars). 2 submissions from 2 submitters: Likely benign (2). Last evaluated 2024-10-15.

Conditions:
Hereditary diffuse gastric adenocarcinoma (HDGC). Also called: DIFFUSE GASTRIC AND LOBULAR BREAST CANCER SYNDROME. Identifiers: Orphanet 26106, MedGen C1708349, MONDO:0007648, OMIM 137215.

Allele frequency attached by ClinVar (database versions not stated): gnomAD exomes below 0.00001.
gnomAD v4.1: 2 of 1,609,882 alleles (0.00012%); highest among the groups gnomAD compares: East Asian, 0.0022%; no homozygotes.

Submissions (2):

Myriad Genetics, Inc.
Classification: Likely benign for Hereditary diffuse gastric adenocarcinoma. Last evaluated: 2024-10-15. Review status: criteria provided, single submitter. Criteria: Myriad Autosomal Dominant, Autosomal Recessive and X-Linked Classification Criteria (2023). Collection method: clinical testing. Allele origin: unknown.
Comment: This variant is considered likely benign. This variant is intronic and is not expected to impact mRNA splicing.

Labcorp Genetics (formerly Invitae), Labcorp
Classification: Likely benign. Last evaluated: 2024-08-11. Review status: criteria provided, single submitter. Criteria: Invitae Variant Classification Sherloc (09022015). Collection method: clinical testing. Allele origin: germline.